The following is an entry in ClinVar:

ClinVar aggregate classification (germline): Uncertain significance. Review status: criteria provided, multiple submitters, no conflicts (2 of 4 stars). 4 submissions from 4 submitters: Uncertain significance (4). Last evaluated 2024-08-28.

Conditions:
Inborn genetic diseases. Identifiers: MedGen C0950123, MeSH D030342.
Schimke immuno-osseous dysplasia (SIOD). Also called: Schimke Immunoosseous Dysplasia. Identifiers: Orphanet 1830, MedGen C0877024, MONDO:0009458, OMIM 242900.

Allele frequency attached by ClinVar (database versions not stated): TOPMed 0.00001.
gnomAD v4.1: 10 of 1,613,922 alleles (0.00062%); highest among the groups gnomAD compares: Non-Finnish European, 0.00085%; no homozygotes.

Submissions (4):

Ambry Genetics
Classification: Uncertain significance for Inborn genetic diseases. Last evaluated: 2024-08-28. Review status: criteria provided, single submitter. Criteria: Ambry Variant Classification Scheme 2023. Collection method: clinical testing. Allele origin: germline.

Fulgent Genetics
Classification: Uncertain significance for Schimke immuno-osseous dysplasia. Last evaluated: 2022-03-17. Review status: criteria provided, single submitter. Criteria: ACMG Guidelines, 2015. Collection method: clinical testing. Allele origin: unknown.

Labcorp Genetics (formerly Invitae), Labcorp
Classification: Uncertain significance for Schimke immuno-osseous dysplasia. Last evaluated: 2022-02-23. Review status: criteria provided, single submitter. Criteria: Invitae Variant Classification Sherloc (09022015). Collection method: clinical testing. Allele origin: germline.
Comment: This sequence change replaces threonine, which is neutral and polar, with arginine, which is basic and polar, at codon 592 of the SMARCAL1 protein (p.Thr592Arg). This variant is present in population databases (no rsID available, gnomAD 0.007%). This variant has not been reported in the literature in individuals affected with SMARCAL1-related conditions. ClinVar contains an entry for this variant (Variation ID: 498481). Algorithms developed to predict the effect of missense changes on protein structure and function are either unavailable or do not agree on the potential impact of this missense change (SIFT: "Deleterious"; PolyPhen-2: "Probably Damaging"; Align-GVGD: "Class C15"). In summary, the available evidence is currently insufficient to determine the role of this variant in disease. Therefore, it has been classified as a Variant of Uncertain Significance.

Eurofins Ntd Llc (ga)
Classification: Uncertain significance. Last evaluated: 2016-12-13. Review status: criteria provided, single submitter. Criteria: EGL Classification Definitions 2015. Collection method: clinical testing. Allele origin: germline. Observed: 1 variant allele, 1 heterozygote.

NM_014140.4(SMARCAL1):c.1775C>G (p.Thr592Arg)

Gene: SMARCAL1 (SNF2 related chromatin remodeling annealing helicase 1; plus strand). Cytogenetic location: 2q35.
Variant type: single nucleotide variant.
Coding change: c.1775C>G on transcript NM_014140.4 (MANE Select); coding-DNA position 1775, C replaced by G.
Protein change: p.Thr592Arg; replaces threonine 592 with arginine.
Molecular consequence: missense variant.
Genome position (GRCh38, 1-based): chr2:216,447,082, C>G. VCF-style: chr2-216447082-C-G. GRCh37 (hg19) VCF-style: chr2-217311805-C-G.
Other names: c.1775C>G, p.Thr592Arg (NM_001127207.2); c.1775C>G (NM_014140.3); short protein forms T592R.
Identifiers: ClinVar variation 498481 (VCV000498481.8), dbSNP rs199876834, ClinGen allele CA65606202.